The following is an entry in ClinVar:

ClinVar aggregate classification (germline): Pathogenic/Likely pathogenic. Review status: criteria provided, multiple submitters, no conflicts (2 of 4 stars). 3 submissions from 3 submitters: Pathogenic (1); Likely pathogenic (2). Last evaluated 2024-11-19.

Conditions:
Eichsfeld type congenital muscular dystrophy (CMYO3). Also called: MYOPATHY, SEPN1-RELATED; SELENON-related myopathy; Congenital myopathy 3 with rigid spine; Rigid spine muscular dystrophy 1. Identifiers: MedGen C0410180, MONDO:0100100, OMIM 602771.
SELENON-related disorder. Also called: SELENON-related condition.

Submissions (3):

Revvity Omics, Revvity
Classification: Pathogenic for Eichsfeld type congenital muscular dystrophy. Last evaluated: 2024-11-19. Review status: criteria provided, single submitter. Criteria: ACMG Guidelines, 2015. Collection method: clinical testing. Allele origin: germline.

Blueprint Genetics
Classification: Likely pathogenic for SELENON-related disorders. Last evaluated: 2024-01-12. Review status: criteria provided, single submitter. Criteria: ACMG Guidelines, 2015. Collection method: clinical testing. Allele origin: germline. Affected: yes. Observed: 1 variant allele.

Labcorp Genetics (formerly Invitae), Labcorp
Classification: Likely pathogenic for Eichsfeld type congenital muscular dystrophy. Last evaluated: 2022-09-07. Review status: criteria provided, single submitter. Criteria: Invitae Variant Classification Sherloc (09022015). Collection method: clinical testing. Allele origin: germline.
Comment: In summary, the currently available evidence indicates that the variant is pathogenic, but additional data are needed to prove that conclusively. Therefore, this variant has been classified as Likely Pathogenic. Algorithms developed to predict the effect of sequence changes on RNA splicing suggest that this variant may disrupt the consensus splice site. ClinVar contains an entry for this variant (Variation ID: 1323574). This variant has not been reported in the literature in individuals affected with SELENON-related conditions. This variant is present in population databases (rs758934983, gnomAD 0.0009%). This variant results in the deletion of part of exon 6 (c.748-2_760del) of the SELENON gene. It is expected to disrupt RNA splicing. Variants that disrupt the donor or acceptor splice site typically lead to a loss of protein function (PMID: 16199547), and loss-of-function variants in SELENON are known to be pathogenic (PMID: 21131290, 21670436).

Literature cited by the submitters: PubMed 16199547 (cited by Labcorp Genetics (formerly Invitae), Labcorp); PubMed 21131290 (cited by Labcorp Genetics (formerly Invitae), Labcorp); PubMed 21670436 (cited by Labcorp Genetics (formerly Invitae), Labcorp).

NM_206926.2(SELENON):c.646-2_658del

Gene: SELENON (selenoprotein N; plus strand). Cytogenetic location: 1p36.11.
Variant type: Deletion.
Coding change: c.646-2_658del on transcript NM_206926.2 (MANE Select); the canonical splice acceptor site of the intron before coding-DNA position 646 through coding-DNA position 658, 15 bases deleted (AGGTCATCATCCACC).
Molecular consequence: splice acceptor variant.
Genome position (GRCh38, 1-based): chr1:25,809,024-25,809,038, AGGTCATCATCCACC deleted; deleting any 15 consecutive bases within chr1:25,809,022-25,809,038 gives the same sequence; the c. name uses the placement nearest the transcript's 3' end. VCF-style (leftmost placement, unchanged base first): chr1-25809021-CCCAGGTCATCATCCA-C. GRCh37 (hg19) VCF-style: chr1-26135512-CCCAGGTCATCATCCA-C.
Other names: c.748-2_760del (NM_020451.3).
Identifiers: ClinVar variation 1323574 (VCV001323574.9), dbSNP rs758934983, ClinGen allele CA696635.